The following is an entry in ClinVar:

NM_033026.6(PCLO):c.502T>G (p.Ser168Ala)

Gene: PCLO (piccolo presynaptic cytomatrix protein; minus strand). Cytogenetic location: 7q21.11.
Variant type: single nucleotide variant.
Coding change: c.502T>G on transcript NM_033026.6 (MANE Select); coding-DNA position 502, T replaced by G.
Protein change: p.Ser168Ala; replaces serine 168 with alanine.
Molecular consequence: missense variant.
Genome position (GRCh38, 1-based): chr7:83,156,139, A>C on the plus strand (T>G on the coding strand, the complement: PCLO is on the minus strand). VCF-style: chr7-83156139-A-C. GRCh37 (hg19) VCF-style: chr7-82785455-A-C.
Other names: c.502T>G, p.Ser168Ala (NM_014510.3); short protein forms S168A.
Identifiers: ClinVar variation 2103415 (VCV002103415.4), dbSNP rs2484906508, ClinGen allele CA367920914.

ClinVar aggregate classification (germline): Uncertain significance (1 of 4 stars; one submission).

Submission:

Labcorp Genetics (formerly Invitae), Labcorp
Classification: Uncertain significance. Last evaluated: 2024-06-24. Review status: criteria provided, single submitter. Criteria: Invitae Variant Classification Sherloc (09022015). Collection method: clinical testing. Allele origin: germline.
Comment: This sequence change replaces serine, which is neutral and polar, with alanine, which is neutral and non-polar, at codon 168 of the PCLO protein (p.Ser168Ala). This variant is not present in population databases (gnomAD no frequency). This variant has not been reported in the literature in individuals affected with PCLO-related conditions. ClinVar contains an entry for this variant (Variation ID: 2103415). Experimental studies and prediction algorithms are not available or were not evaluated, and the functional significance of this variant is currently unknown. In summary, the available evidence is currently insufficient to determine the role of this variant in disease. Therefore, it has been classified as a Variant of Uncertain Significance.